The following is an entry in ClinVar:

NM_000038.6(APC):c.6471del (p.Lys2157fs)

Gene: APC (APC regulator of Wnt signaling pathway; plus strand). Cytogenetic location: 5q22.2.
Variant type: Deletion.
Coding change: c.6471del on transcript NM_000038.6 (MANE Select); coding-DNA position 6471, one base deleted (A; older notation c.6471delA).
Protein change: p.Lys2157fs; shifts the reading frame from lysine 2157.
Molecular consequence: frameshift variant. On other transcripts: non-coding transcript variant (2).
Genome position (GRCh38, 1-based): chr5:112,842,065, A deleted; the last of 5 consecutive A bases (chr5:112,842,061-112,842,065); deleting any one gives the same sequence. VCF-style (leftmost placement, unchanged base first): chr5-112842060-GA-G. GRCh37 (hg19) VCF-style: chr5-112177757-GA-G.
Other names: c.6471del, p.Lys2157fs (NM_001127510.3, NM_001354895.2, NM_001407450.1); c.6417del, p.Lys2139fs (NM_001127511.3); c.6525del, p.Lys2175fs (NM_001354896.2, NM_001407447.1, NM_001407448.1 and 1 more transcripts); c.6501del, p.Lys2167fs (NM_001354897.2); c.6396del, p.Lys2132fs (NM_001354898.2); c.6387del, p.Lys2129fs (NM_001354899.2); c.6348del, p.Lys2116fs (NM_001354900.2); c.6294del, p.Lys2098fs (NM_001354901.2, NM_001407453.1); and 11 more; short protein forms K1874fs, K2031fs, K1773fs, K2066fs, K2074fs, K2098fs, K2150fs, K2028fs.
Identifiers: ClinVar variation 4711960 (VCV004711960.1).

ClinVar aggregate classification (germline): Pathogenic (1 of 4 stars; one submission).

Conditions:
Familial adenomatous polyposis 1 (FAP1). Also called: FAMILIAL ADENOMATOUS POLYPOSIS 1, ATTENUATED; POLYPOSIS, ADENOMATOUS INTESTINAL. Identifiers: MedGen C2713442, MONDO:0021056, OMIM 175100. Disease mechanism: loss of function.

Submission:

Labcorp Genetics (formerly Invitae), Labcorp
Classification: Pathogenic for Familial adenomatous polyposis 1. Last evaluated: 2025-01-29. Review status: criteria provided, single submitter. Criteria: Invitae Variant Classification Sherloc (09022015). Collection method: clinical testing. Allele origin: germline.
Comment: This sequence change creates a premature translational stop signal (p.Lys2157Asnfs*12) in the APC gene. While this is not anticipated to result in nonsense mediated decay, it is expected to disrupt the last 687 amino acid(s) of the APC protein. This variant is not present in population databases (gnomAD no frequency). This variant has not been reported in the literature in individuals affected with APC-related conditions. This variant disrupts a region of the APC protein in which other variant(s) (p.Tyr2645Lysfs*14) have been determined to be pathogenic (PMID: 1316610, 8381579, 9824584, 22135120, 27081525; internal data). This suggests that this is a clinically significant region of the protein, and that variants that disrupt it are likely to be disease-causing. For these reasons, this variant has been classified as Pathogenic.

Literature cited by the submitters: PubMed 1316610; PubMed 8381579; PubMed 9824584; PubMed 22135120; PubMed 27081525.